The following is an entry in ClinVar:

ClinVar aggregate classification (germline): Likely pathogenic (1 of 4 stars; one submission).

Conditions:
KIDINS220-related disorder. Also called: KIDINS220-related condition.

gnomAD v4.1: 2 of 1,598,856 alleles (0.00013%); highest among the groups gnomAD compares: Non-Finnish European, 0.000085%; no homozygotes.

Submission:

PreventionGenetics, part of Exact Sciences
Classification: Likely pathogenic for KIDINS220-related condition. Last evaluated: 2025-04-18. Review status: criteria provided, single submitter. Criteria: ACMG Guidelines, 2015. Collection method: clinical testing. Allele origin: germline.
Comment: The KIDINS220 c.1468C>T variant is predicted to result in premature protein termination (p.Gln490*). To our knowledge, this variant has not been reported in the literature or in a large population database (gnomAD), indicating this variant is rare. Nonsense variants in KIDINS220 are expected to be pathogenic. This variant is interpreted as likely pathogenic. However, this variant is located in exon 14 of total 30 exons, and therefore is expected to be pathogenic only for autosomal recessive KIDINS220 associated disorders.

NM_020738.4(KIDINS220):c.1468C>T (p.Gln490Ter)

Gene: KIDINS220 (kinase D interacting substrate 220; minus strand). Cytogenetic location: 2p25.1.
Variant type: single nucleotide variant.
Coding change: c.1468C>T on transcript NM_020738.4 (MANE Select); coding-DNA position 1468, C replaced by T.
Protein change: p.Gln490Ter; replaces glutamine 490 with a stop codon.
Molecular consequence: nonsense. On other transcripts: non-coding transcript variant (2).
Genome position (GRCh38, 1-based): chr2:8,790,033, G>A on the plus strand (C>T on the coding strand, the complement: KIDINS220 is on the minus strand). VCF-style: chr2-8790033-G-A. GRCh37 (hg19) VCF-style: chr2-8930163-G-A.
Other names: c.1471C>T, p.Gln491Ter (NM_001348729.2, NM_001348731.2, NM_001348734.2 and 3 more transcripts); c.1468C>T, p.Gln490Ter (NM_001348732.2, NM_001348735.2, NM_001348738.2 and 3 more transcripts); c.1342C>T, p.Gln448Ter (NM_001348736.2); short protein forms Q448*, Q490*, Q491*.
Identifiers: ClinVar variation 4984119 (VCV004984119.1).